The following is an entry in ClinVar:

ClinVar aggregate classification (germline): Uncertain significance. Review status: criteria provided, multiple submitters, no conflicts (2 of 4 stars). 2 submissions from 2 submitters: Uncertain significance (2). Last evaluated 2023-03-20.

Conditions:
Polycystic kidney disease, adult type (PKD1). Also called: Polycystic Kidney Disease 1, Autosomal Dominant; Polycystic kidney disease 1; Polycystic kidney disease 1, severe; POLYCYSTIC KIDNEY DISEASE 1 WITH OR WITHOUT POLYCYSTIC LIVER DISEASE; Polycystic Kidney, Autosomal Dominant; POLYCYSTIC KIDNEY DISEASE, ADULT, TYPE I. Identifiers: MedGen C3149841, MONDO:0008263, OMIM 173900.

Allele frequency attached by ClinVar (database versions not stated): gnomAD exomes below 0.00001 and 0.00001.
gnomAD v4.1: 10 of 1,596,516 alleles (0.00063%); highest among the groups gnomAD compares: Admixed American, 0.0017%; no homozygotes.

Submissions (2):

GeneDx
Classification: Uncertain significance. Last evaluated: 2023-03-20. Review status: criteria provided, single submitter. Criteria: GeneDx Variant Classification Process June 2021. Collection method: clinical testing. Allele origin: germline. Affected: yes.
Comment: Not observed at significant frequency in large population cohorts (gnomAD); In silico analysis supports that this missense variant has a deleterious effect on protein structure/function; Has not been previously published as pathogenic or benign to our knowledge

Undiagnosed Diseases Network, NIH
Classification: Uncertain significance for Polycystic kidney disease, adult type. Last evaluated: 2017-10-16. Review status: criteria provided, single submitter. Criteria: ACMG Guidelines, 2015. Collection method: clinical testing. Allele origin: unknown. Inheritance: Autosomal dominant inheritance. Affected: yes. Observed: 1 variant allele, 1 heterozygote. Study: Undiagnosed Diseases Network (NIH), UDN.

NM_001009944.3(PKD1):c.7226C>T (p.Thr2409Met)

Gene: PKD1 (polycystin 1, transient receptor potential channel interacting; minus strand). Cytogenetic location: 16p13.3.
Variant type: single nucleotide variant.
Coding change: c.7226C>T on transcript NM_001009944.3 (MANE Select); coding-DNA position 7226, C replaced by T.
Protein change: p.Thr2409Met; replaces threonine 2409 with methionine.
Molecular consequence: missense variant.
Genome position (GRCh38, 1-based): chr16:2,106,661, G>A on the plus strand (C>T on the coding strand, the complement: PKD1 is on the minus strand). VCF-style: chr16-2106661-G-A. GRCh37 (hg19) VCF-style: chr16-2156662-G-A.
Other names: c.7226C>T, p.Thr2409Met (NM_000296.4); short protein forms T2409M.
Identifiers: ClinVar variation 584459 (VCV000584459.5), dbSNP rs1446061270, ClinGen allele CA394371237.